The following is an entry in ClinVar:

ClinVar aggregate classification (germline): Uncertain significance (1 of 4 stars; one submission).

Submission:

Labcorp Genetics (formerly Invitae), Labcorp
Classification: Uncertain significance. Last evaluated: 2025-02-15. Review status: criteria provided, single submitter. Criteria: Invitae Variant Classification Sherloc (09022015). Collection method: clinical testing. Allele origin: germline.
Comment: This sequence change replaces methionine, which is neutral and non-polar, with arginine, which is basic and polar, at codon 1706 of the NALCN protein (p.Met1706Arg). This variant is not present in population databases (gnomAD no frequency). This variant has not been reported in the literature in individuals affected with NALCN-related conditions. Invitae Evidence Modeling of protein sequence and biophysical properties (such as structural, functional, and spatial information, amino acid conservation, physicochemical variation, residue mobility, and thermodynamic stability) indicates that this missense variant is not expected to disrupt NALCN protein function with a negative predictive value of 80%. In summary, the available evidence is currently insufficient to determine the role of this variant in disease. Therefore, it has been classified as a Variant of Uncertain Significance.

NM_052867.4(NALCN):c.5117T>G (p.Met1706Arg)

Genes: NALCN (sodium leak channel, non-selective; minus strand), NALCN-AS1 (NALCN antisense RNA 1; plus strand). Cytogenetic location: 13q32.3.
Variant type: single nucleotide variant.
Coding change: c.5117T>G on transcript NM_052867.4 (MANE Select); coding-DNA position 5117, T replaced by G.
Protein change: p.Met1706Arg; replaces methionine 1706 with arginine.
Molecular consequence: missense variant. On other transcripts: non-coding transcript variant (1).
Genome position (GRCh38, 1-based): chr13:101,055,395, A>C on the plus strand (T>G on the coding strand, the complement: NALCN is on the minus strand). VCF-style: chr13-101055395-A-C. GRCh37 (hg19) VCF-style: chr13-101707747-A-C.
Other names: c.5204T>G, p.Met1735Arg (NM_001350748.2); c.5117T>G, p.Met1706Arg (NM_001350749.2); c.5030T>G, p.Met1677Arg (NM_001350750.2, NM_001350751.2); short protein forms M1677R, M1706R, M1735R.
Identifiers: ClinVar variation 3611089 (VCV003611089.2).